The following is an entry in ClinVar:

ClinVar aggregate classification (germline): Uncertain significance (1 of 4 stars; one submission).

Conditions:
Rubinstein-Taybi syndrome due to CREBBP mutations (RSTS1). Also called: RUBINSTEIN-TAYBI SYNDROME 1, INCOMPLETE; RUBINSTEIN SYNDROME; Rubinstein-Taybi syndrome 1; CREBBP-Related Rubinstein-Taybi Syndrome; BROAD THUMB-HALLUX SYNDROME; BROAD THUMBS AND GREAT TOES, CHARACTERISTIC FACIES, AND IMPAIRED INTELLECTUAL DEVELOPMENT. Identifiers: Orphanet 353277, Orphanet 783, MedGen C4551859, MONDO:0008393, OMIM 180849.

Submission:

3billion
Classification: Uncertain significance for Rubinstein-Taybi syndrome due to CREBBP mutations. Last evaluated: 2025-05-16. Review status: criteria provided, single submitter. Criteria: ACMG Guidelines, 2015. Collection method: clinical testing. Allele origin: germline. Affected: yes.
Comment: The variant is not observed in the gnomAD v4.1.0 dataset. Predicted Consequence/Location: Missense variant In silico tool predictions suggest damaging effect of the variant on gene or gene product [REVEL: 0.91 (>=0.6, sensitivity 0.68 and specificity 0.92); 3Cnet: 0.99 (> 0.75, sensitivity 0.96 and precision 0.92)]. Therefore, this variant is classified as VUS according to the recommendation of ACMG/AMP guideline.

NM_004380.3(CREBBP):c.4427C>T (p.Pro1476Leu)

Gene: CREBBP (CREB binding lysine acetyltransferase; minus strand). Cytogenetic location: 16p13.3.
Variant type: single nucleotide variant.
Coding change: c.4427C>T on transcript NM_004380.3 (MANE Select); coding-DNA position 4427, C replaced by T.
Protein change: p.Pro1476Leu; replaces proline 1476 with leucine.
Molecular consequence: missense variant.
Genome position (GRCh38, 1-based): chr16:3,736,783, G>A on the plus strand (C>T on the coding strand, the complement: CREBBP is on the minus strand). VCF-style: chr16-3736783-G-A. GRCh37 (hg19) VCF-style: chr16-3786784-G-A.
Other names: c.4313C>T, p.Pro1438Leu (NM_001079846.1); short protein forms P1438L, P1476L.
Identifiers: ClinVar variation 4855778 (VCV004855778.1).
Genomic context (GRCh38, chr16:3,736,783, plus strand): 5'-GGCTTGGGTATTTTTTGATCAGGTGGGTGGCAATGGAAGATGTAATCATCTCCTTCACTT[G>A]GAGGACAGGCCCAGATGTGCCCTGTCACATACCTGCAGGACCCACGCACACACGTCAGAT-3'
Protein context (NP_004371.2, residues 1466-1486): YVTGHIWACP[Pro1476Leu]SEGDDYIFHC